The following is an entry in ClinVar:

ClinVar aggregate classification (germline): Pathogenic (1 of 4 stars; one submission).

Conditions:
Ehlers-Danlos syndrome due to tenascin-X deficiency (EDSCLL1). Also called: EDS DUE TO TNX DEFICIENCY; TNX DEFICIENCY; Ehlers-Danlos syndrome, classic-like, 1; EHLERS-DANLOS SYNDROME, CLASSIC-LIKE; TNXB-Related Classical-Like Ehlers-Danlos Syndrome. Identifiers: Orphanet 230839, MedGen C1848029, MONDO:0011670, OMIM 606408.

Submission:

Myriad Genetics, Inc.
Classification: Pathogenic for Ehlers-Danlos syndrome due to tenascin-X deficiency. Last evaluated: 2025-06-17. Review status: criteria provided, single submitter. Criteria: Myriad Autosomal Dominant, Autosomal Recessive and X-Linked Classification Criteria (2023). Collection method: clinical testing. Allele origin: unknown.
Comment: NM_019105.6(TNXB):c.8173delG(E2725Nfs*18) is expected to be pathogenic in the context of classical-like Ehlers-Danlos syndrome, TNXB-related. This variant is predicted to lead to an abnormal or absent protein product due to the creation of a premature termination codon in TNXB, a gene where loss-of-function variants are known to be pathogenic. Please note: this variant was assessed in the context of healthy population screening.

NM_001365276.2(TNXB):c.8173del (p.Glu2725fs)

Gene: TNXB (tenascin XB; minus strand). Cytogenetic location: 6p21.33.
Variant type: Deletion.
Coding change: c.8173del on transcript NM_001365276.2 (MANE Select); coding-DNA position 8173, one base deleted (G; older notation c.8173delG).
Protein change: p.Glu2725fs; shifts the reading frame from glutamic acid 2725.
Molecular consequence: frameshift variant.
Genome position (GRCh38, 1-based): chr6:32,056,145, C deleted on the plus strand (G on the coding strand, the reverse complement: TNXB is on the minus strand); the first of 2 consecutive C bases (chr6:32,056,145-32,056,146); deleting either gives the same sequence. VCF-style (leftmost placement, unchanged base first): chr6-32056144-TC-T. GRCh37 (hg19) VCF-style: chr6-32023921-TC-T.
Other names: c.8914del, p.Glu2972fs (NM_001428335.1); c.8173del, p.Glu2725fs (NM_019105.8); short protein forms E2725fs, E2972fs.
Identifiers: ClinVar variation 5014610 (VCV005014610.1).